The following is an entry in ClinVar:

NM_001866.3(COX7B):c.-42A>G

Genes: COX7B (cytochrome c oxidase subunit 7B; plus strand), LOC130068461 (ATAC-STARR-seq lymphoblastoid active region 29782; plus strand). Cytogenetic location: Xq21.1.
Variant type: single nucleotide variant.
Coding change: c.-42A>G on transcript NM_001866.3 (MANE Select); 42 bases upstream of the start codon, A replaced by G.
Molecular consequence: 5 prime UTR variant.
Genome position (GRCh38, 1-based): chrX:77,899,512, A>G. VCF-style: chrX-77899512-A-G. GRCh37 (hg19) VCF-style: chrX-77155009-A-G.
Other names: c.-42A>G (LRG_1250t1).
Identifiers: ClinVar variation 510669 (VCV000510669.1), dbSNP rs782793919, ClinGen allele CA10458644.

ClinVar aggregate classification (germline): Likely benign (1 of 4 stars; one submission).

Allele frequency attached by ClinVar (database versions not stated): ExAC 0.00005; TOPMed 0.00001 and 0.00002; gnomAD 0.00002.
gnomAD v4.1: 77 of 1,205,643 alleles (0.0064%); highest among the groups gnomAD compares: Non-Finnish European, 0.0082%; no homozygotes.

Submission:

GeneDx
Classification: Likely benign. Last evaluated: 2017-07-18. Review status: criteria provided, single submitter. Criteria: GeneDx Variant Classification (06012015). Collection method: clinical testing. Allele origin: germline. Affected: yes.
Comment: This variant is considered likely benign or benign based on one or more of the following criteria: it is a conservative change, it occurs at a poorly conserved position in the protein, it is predicted to be benign by multiple in silico algorithms, and/or has population frequency not consistent with disease.